The following is an entry in ClinVar:

ClinVar aggregate classification (germline): Uncertain significance. Review status: criteria provided, multiple submitters, no conflicts (2 of 4 stars). 4 submissions from 4 submitters: Uncertain significance (3). 1 of the submissions does not count toward it. Last evaluated 2024-06-12.

Conditions:
Usher syndrome type 1 (USH1). Also called: RETINITIS PIGMENTOSA AND CONGENITAL DEAFNESS. Identifiers: Orphanet 231169, Orphanet 886, MedGen C1568247, MONDO:0010168, OMIM 276900.

Allele frequency attached by ClinVar (database versions not stated): gnomAD exomes 0.00001 and 0.00002.
gnomAD v4.1: 22 of 1,612,490 alleles (0.0014%); highest among the groups gnomAD compares: Non-Finnish European, 0.0018%; no homozygotes.

Submissions (4):

Blueprint Genetics
Classification: Uncertain significance. Last evaluated: 2024-06-12. Review status: criteria provided, single submitter. Criteria: ACMG Guidelines, 2015. Collection method: clinical testing. Allele origin: germline.

Labcorp Genetics (formerly Invitae), Labcorp
Classification: Uncertain significance. Last evaluated: 2022-01-07. Review status: criteria provided, single submitter. Criteria: Invitae Variant Classification Sherloc (09022015). Collection method: clinical testing. Allele origin: germline.
Comment: This sequence change affects codon 1453 of the CDH23 mRNA. It is a 'silent' change, meaning that it does not change the encoded amino acid sequence of the CDH23 protein. This variant also falls at the last nucleotide of exon 35, which is part of the consensus splice site for this exon. This variant is present in population databases (no rsID available, gnomAD 0.003%). This variant has not been reported in the literature in individuals affected with CDH23-related conditions. ClinVar contains an entry for this variant (Variation ID: 505169). Algorithms developed to predict the effect of missense changes on protein structure and function are either unavailable or do not agree on the potential impact of this missense change (SIFT: "Deleterious"; PolyPhen-2: "Not Available"; Align-GVGD: "Class C15"). Variants that disrupt the consensus splice site are a relatively common cause of aberrant splicing (PMID: 17576681, 9536098). Algorithms developed to predict the effect of sequence changes on RNA splicing suggest that this variant may disrupt the consensus splice site. In summary, the available evidence is currently insufficient to determine the role of this variant in disease. Therefore, it has been classified as a Variant of Uncertain Significance.

Laboratory for Molecular Medicine, Mass General Brigham Personalized Medicine
Classification: Uncertain significance. Last evaluated: 2016-06-28. Review status: criteria provided, single submitter. Criteria: LMM Criteria. Collection method: clinical testing. Allele origin: germline. Observed: 1 variant allele.
Comment: The p.Gln1453His variant in CDH23 has not been previously reported in individual s with hearing loss or Usher syndrome or in large population studies. This varia nt is located in the last three bases of the exon, which is part of the 5? splic e region. Computational splice prediction tools predict altered splicing, though this information is not predictive enough to determine pathogenicity. Additiona l computational prediction tools and conservation analyses suggest that this var iant may impact the protein, though this information is not predictive enough to determine pathogenicity. In summary, the clinical significance of the p.Gln1453 His variant is uncertain.

Natera, Inc.
Classification: Uncertain significance for Usher syndrome type 1. Last evaluated: 2019-10-28. Review status: no assertion criteria provided. Collection method: clinical testing. Allele origin: germline. Not counted in ClinVar's aggregate classification.

Literature cited by the submitters: PubMed 17576681 (cited by Labcorp Genetics (formerly Invitae), Labcorp); PubMed 9536098 (cited by Labcorp Genetics (formerly Invitae), Labcorp).

NM_022124.6(CDH23):c.4359G>C (p.Gln1453His)

Gene: CDH23 (cadherin related 23; plus strand). Cytogenetic location: 10q22.1.
Variant type: single nucleotide variant.
Coding change: c.4359G>C on transcript NM_022124.6 (MANE Select); coding-DNA position 4359, G replaced by C.
Protein change: p.Gln1453His; replaces glutamine 1453 with histidine.
Molecular consequence: missense variant.
Genome position (GRCh38, 1-based): chr10:71,738,647, G>C. VCF-style: chr10-71738647-G-C. GRCh37 (hg19) VCF-style: chr10-73498404-G-C.
Other names: short protein forms Q1453H.
Identifiers: ClinVar variation 505169 (VCV000505169.8), dbSNP rs1435336806, ClinGen allele CA377159659.